The following is an entry in ClinVar:

NM_001201427.2(DAAM2):c.1580G>T (p.Gly527Val)

Gene: DAAM2 (dishevelled associated activator of morphogenesis 2; plus strand). Cytogenetic location: 6p21.2.
Variant type: single nucleotide variant.
Coding change: c.1580G>T on transcript NM_001201427.2 (MANE Select); coding-DNA position 1580, G replaced by T.
Protein change: p.Gly527Val; replaces glycine 527 with valine.
Molecular consequence: missense variant.
Genome position (GRCh38, 1-based): chr6:39,879,212, G>T. VCF-style: chr6-39879212-G-T. GRCh37 (hg19) VCF-style: chr6-39846988-G-T.
Other names: c.1580G>T, p.Gly527Val (NM_015345.4); short protein forms G527V.
Identifiers: ClinVar variation 3356158 (VCV003356158.1).

ClinVar aggregate classification (germline): Uncertain significance (0 of 4 stars; one submission).

Conditions:
DAAM2-related disorder. Also called: DAAM2-related condition.

Submission:

PreventionGenetics, part of Exact Sciences
Classification: Uncertain significance for DAAM2-related condition. Last evaluated: 2024-04-22. Review status: no assertion criteria provided. Collection method: clinical testing. Allele origin: germline.
Comment: The DAAM2 c.1580G>T variant is predicted to result in the amino acid substitution p.Gly527Val. To our knowledge, this variant has not been reported in the literature or in a large population database, indicating this variant is rare. At this time, the clinical significance of this variant is uncertain due to the absence of conclusive functional and genetic evidence.